The following is an entry in ClinVar:

ClinVar aggregate classification (germline): Likely pathogenic (1 of 4 stars; one submission).

Submission:

GeneDx
Classification: Likely pathogenic. Last evaluated: 2017-12-19. Review status: criteria provided, single submitter. Criteria: GeneDx Variant Classification (06012015). Collection method: clinical testing. Allele origin: germline. Affected: yes.
Comment: The W86C variant has not been published as a pathogenic variant, nor has it been reported as a benign variant to our knowledge. It is not observed in large population cohorts (Lek et al., 2016; 1000 Genomes Consortium et al., 2015; Exome Variant Server). The W86C variant is a non-conservative amino acid substitution, which is likely to impact secondary protein structure as these residues differ in polarity, charge, size and/or other properties. This substitution occurs at a position that is conserved across species, and in silico analysis predicts this variant is probably damaging to the protein structure/function. Therefore, this variant is likely pathogenic.

NM_001101.5(ACTB):c.258G>C (p.Trp86Cys)

Gene: ACTB (actin beta; minus strand). Cytogenetic location: 7p22.1.
Variant type: single nucleotide variant.
Coding change: c.258G>C on transcript NM_001101.5 (MANE Select); coding-DNA position 258, G replaced by C.
Protein change: p.Trp86Cys; replaces tryptophan 86 with cysteine.
Molecular consequence: missense variant.
Genome position (GRCh38, 1-based): chr7:5,529,266, C>G on the plus strand (G>C on the coding strand, the complement: ACTB is on the minus strand). VCF-style: chr7-5529266-C-G. GRCh37 (hg19) VCF-style: chr7-5568897-C-G.
Other names: c.258G>C (LRG_132t1); short protein forms W86C.
Identifiers: ClinVar variation 451798 (VCV000451798.2), dbSNP rs1554329554, ClinGen allele CA366704583.
Genomic context (GRCh38, chr7:5,529,266, plus strand): 5'-GGTCAGCAGCACGGGGTGCTCCTCGGGAGCCACACGCAGCTCATTGTAGAAGGTGTGGTG[C>G]CAGATTTTCTCCATGTCGTCCCAGTTGGTGACGATGCCGTGCTCGATGGGGTACTTCAGG-3'
Protein context (NP_001092.1, residues 76-96): VTNWDDMEKI[Trp86Cys]HHTFYNELRV